The following is an entry in ClinVar:

NM_032193.4(RNASEH2C):c.495A>C (p.Ter165Cys)

Gene: RNASEH2C (ribonuclease H2 subunit C; minus strand). Cytogenetic location: 11q13.1.
Variant type: single nucleotide variant.
Coding change: c.495A>C on transcript NM_032193.4 (MANE Select); coding-DNA position 495, A replaced by C.
Protein change: p.Ter165Cys.
Molecular consequence: stop lost.
Genome position (GRCh38, 1-based): chr11:65,719,783, T>G on the plus strand (A>C on the coding strand, the complement: RNASEH2C is on the minus strand). VCF-style: chr11-65719783-T-G. GRCh37 (hg19) VCF-style: chr11-65487254-T-G.
Identifiers: ClinVar variation 1032268 (VCV001032268.4), dbSNP rs749473518, ClinGen allele CA6107594.

ClinVar aggregate classification (germline): Uncertain significance. Review status: criteria provided, multiple submitters, no conflicts (2 of 4 stars). 2 submissions from 2 submitters: Uncertain significance (2). Last evaluated 2021-12-23.

Conditions:
Aicardi-Goutieres syndrome 3. Identifiers: Orphanet 51, MedGen C1835916, MONDO:0012471, OMIM 610329.

Allele frequency attached by ClinVar (database versions not stated): gnomAD exomes below 0.00001; ExAC 0.00001; TOPMed 0.00001.

Submissions (2):

Revvity Omics, Revvity
Classification: Uncertain significance for Aicardi-Goutieres syndrome 3. Last evaluated: 2021-12-23. Review status: criteria provided, single submitter. Criteria: ACMG Guidelines, 2015. Collection method: clinical testing. Allele origin: germline.

Baylor Genetics
Classification: Uncertain significance for Aicardi-Goutieres syndrome 3. Last evaluated: 2018-02-14. Review status: criteria provided, single submitter. Criteria: ACMG Guidelines, 2015. Collection method: clinical testing. Allele origin: unknown. Affected: yes.
Comment: This variant was determined to be of uncertain significance according to ACMG Guidelines, 2015 [PMID:25741868].